The following is an entry in ClinVar:

ClinVar aggregate classification (germline): Uncertain significance (1 of 4 stars; one submission).

Submission:

Ambry Genetics
Classification: Uncertain significance. Last evaluated: 2025-11-11. Review status: criteria provided, single submitter. Criteria: Ambry Variant Classification Scheme 2023. Collection method: clinical testing. Allele origin: germline.
Comment: The p.A461T variant (also known as c.1381G>A), located in coding exon 14 of the KIF1B gene, results from a G to A substitution at nucleotide position 1381. The alanine at codon 461 is replaced by threonine, an amino acid with similar properties. This amino acid position is conserved. In addition, the in silico prediction for this alteration is inconclusive. Since supporting evidence is limited at this time, the clinical significance of this alteration remains unclear.

NM_001365951.3(KIF1B):c.1519G>A (p.Ala507Thr)

Gene: KIF1B (kinesin family member 1B; plus strand). Cytogenetic location: 1p36.22.
Variant type: single nucleotide variant.
Coding change: c.1519G>A on transcript NM_001365951.3 (MANE Select); coding-DNA position 1519, G replaced by A.
Protein change: p.Ala507Thr; replaces alanine 507 with threonine.
Molecular consequence: missense variant.
Genome position (GRCh38, 1-based): chr1:10,292,051, G>A. VCF-style: chr1-10292051-G-A. GRCh37 (hg19) VCF-style: chr1-10352109-G-A.
Other names: c.1519G>A, p.Ala507Thr (NM_001365952.1); c.1381G>A, p.Ala461Thr (NM_001365953.1, NM_015074.3, NM_183416.4); short protein forms A461T, A507T.
Identifiers: ClinVar variation 3226352 (VCV003226352.2), dbSNP rs2521357958, ClinGen allele CA338313358.
Genomic context (GRCh38, chr1:10,292,051, plus strand): 5'-ACTGATTTAATTGACATTTTGGTATTAGTGTTCTGATATACCTGTTTTTTTCCTAGAGAG[G>A]CTTTGTTGGCTGAGATGGGAGTTGCCATTCGGGAAGATGGAGGAACCCTAGGGGTTTTCT-3'
Protein context (NP_001352880.1, residues 497-517): KTEAIRMERE[Ala507Thr]LLAEMGVAIR